The following is an entry in ClinVar:

NM_000090.4(COL3A1):c.2419G>A (p.Gly807Arg)

Genes: COL3A1 (collagen type III alpha 1 chain; plus strand), LOC126806446 (P300/CBP strongly-dependent group 1 enhancer GRCh37_chr2:189866210-189867409; plus strand). Cytogenetic location: 2q32.2.
Variant type: single nucleotide variant.
Coding change: c.2419G>A on transcript NM_000090.4 (MANE Select); coding-DNA position 2419, G replaced by A.
Protein change: p.Gly807Arg; replaces glycine 807 with arginine.
Molecular consequence: missense variant.
Genome position (GRCh38, 1-based): chr2:189,002,325, G>A. VCF-style: chr2-189002325-G-A. GRCh37 (hg19) VCF-style: chr2-189867051-G-A.
Other names: short protein forms G807R.
Identifiers: ClinVar variation 2822583 (VCV002822583.3), dbSNP rs2469149427, ClinGen allele CA349842627.

ClinVar aggregate classification (germline): Likely pathogenic (1 of 4 stars; one submission).

Conditions:
Ehlers-Danlos syndrome, type 4 (EDSVASC). Also called: Ehlers-Danlos Syndrome Type IV; Ehlers-Danlos syndrome vascular type; Ehlers Danlos syndrome, ecchymotic type; Ehlers Danlos syndrome, arterial type; Ehlers Danlos syndrome, Sack-Barabas type. Identifiers: Orphanet 286, MedGen C0268338, MONDO:0017314, OMIM 130050.

Submission:

Labcorp Genetics (formerly Invitae), Labcorp
Classification: Likely pathogenic for Ehlers-Danlos syndrome, type 4. Last evaluated: 2025-12-24. Review status: criteria provided, single submitter. Criteria: Invitae Variant Classification Sherloc (09022015). Collection method: clinical testing. Allele origin: germline.
Comment: This sequence change replaces glycine, which is neutral and non-polar, with arginine, which is basic and polar, at codon 807 of the COL3A1 protein (p.Gly807Arg). This variant is not present in population databases (gnomAD no frequency). This missense change has been observed in individual(s) with clinical features of COL3A1-related conditions (internal data). ClinVar contains an entry for this variant (Variation ID: 2822583). Invitae Evidence Modeling of protein sequence and biophysical properties (such as structural, functional, and spatial information, amino acid conservation, physicochemical variation, residue mobility, and thermodynamic stability) indicates that this missense variant is expected to disrupt COL3A1 protein function with a positive predictive value of 95%. This variant disrupts the triple helix domain of COL3A1. Glycine residues within the Gly-Xaa-Yaa repeats of the triple helix domain are required for the structure and stability of fibrillar collagens (PMID: 7695699, 8218237, 19344236). In COL3A1, variants that affect these glycine residues are significantly enriched in individuals with disease (PMID: 24922459, 25758994) compared to the general population (ExAC). In summary, the currently available evidence indicates that the variant is pathogenic, but additional data are needed to prove that conclusively. Therefore, this variant has been classified as Likely Pathogenic.

Literature cited by the submitters: PubMed 7695699; PubMed 8218237; PubMed 19344236; PubMed 24922459; PubMed 25758994.